The following is an entry in ClinVar:

NM_199420.4(POLQ):c.1695A>C (p.Glu565Asp)

Gene: POLQ (DNA polymerase theta; minus strand). Cytogenetic location: 3q13.33.
Variant type: single nucleotide variant.
Coding change: c.1695A>C on transcript NM_199420.4 (MANE Select); coding-DNA position 1695, A replaced by C.
Protein change: p.Glu565Asp; replaces glutamic acid 565 with aspartic acid.
Molecular consequence: missense variant.
Genome position (GRCh38, 1-based): chr3:121,510,160, T>G on the plus strand (A>C on the coding strand, the complement: POLQ is on the minus strand). VCF-style: chr3-121510160-T-G. GRCh37 (hg19) VCF-style: chr3-121229007-T-G.
Other names: short protein forms E565D.
Identifiers: ClinVar variation 3229854 (VCV003229854.1), dbSNP rs2546802648, ClinGen allele CA354114983.

ClinVar aggregate classification (germline): Uncertain significance (1 of 4 stars; one submission).

Submission:

Ambry Genetics
Classification: Uncertain significance. Last evaluated: 2023-10-05. Review status: criteria provided, single submitter. Criteria: Ambry Variant Classification Scheme 2023. Collection method: clinical testing. Allele origin: germline.
Comment: The p.E565D variant (also known as c.1695A>C), located in coding exon 11 of the POLQ gene, results from an A to C substitution at nucleotide position 1695. The glutamic acid at codon 565 is replaced by aspartic acid, an amino acid with highly similar properties. This amino acid position is conserved. In addition, this alteration is predicted to be tolerated by in silico analysis. Since supporting evidence is limited at this time, the clinical significance of this alteration remains unclear.